The following is an entry in ClinVar:

ClinVar aggregate classification (germline): Uncertain significance (1 of 4 stars; one submission).

Conditions:
Neurodegeneration with brain iron accumulation 5 (NBIA5). Also called: STATIC ENCEPHALOPATHY OF CHILDHOOD WITH NEURODEGENERATION IN ADULTHOOD; Beta-propeller protein-associated neurodegeneration. Identifiers: Orphanet 329284, MedGen C3550973, MONDO:0010476, OMIM 300894.

Submission:

Labcorp Genetics (formerly Invitae), Labcorp
Classification: Uncertain significance for Neurodegeneration with brain iron accumulation 5. Last evaluated: 2022-09-28. Review status: criteria provided, single submitter. Criteria: Invitae Variant Classification Sherloc (09022015). Collection method: clinical testing. Allele origin: germline.
Comment: This sequence change falls in intron 9 of the WDR45 gene. It does not directly change the encoded amino acid sequence of the WDR45 protein. This variant is not present in population databases (gnomAD no frequency). This variant has not been reported in the literature in individuals affected with WDR45-related conditions. Algorithms developed to predict the effect of sequence changes on RNA splicing suggest that this variant may disrupt the consensus splice site. In summary, the available evidence is currently insufficient to determine the role of this variant in disease. Therefore, it has been classified as a Variant of Uncertain Significance.

NM_001029896.2(WDR45):c.725+12G>T

Gene: WDR45 (WD repeat domain 45; minus strand). Cytogenetic location: Xp11.23.
Variant type: single nucleotide variant.
Coding change: c.725+12G>T on transcript NM_001029896.2 (MANE Select); 12 bases into the intron after coding-DNA position 725, G replaced by T.
Molecular consequence: intron variant.
Genome position (GRCh38, 1-based): chrX:49,075,533, C>A on the plus strand (G>T on the coding strand, the complement: WDR45 is on the minus strand). VCF-style: chrX-49075533-C-A. GRCh37 (hg19) VCF-style: chrX-48933192-C-A.
Other names: c.728+12G>T (NM_007075.4).
Identifiers: ClinVar variation 2014723 (VCV002014723.4), dbSNP rs1386187257, ClinGen allele CA2579605513.